The following is an entry in ClinVar:

NM_019842.4(KCNQ5):c.1836+18_1836+33del

Gene: KCNQ5 (potassium voltage-gated channel subfamily Q member 5; plus strand). Cytogenetic location: 6q13.
Variant type: Deletion.
Coding change: c.1836+18_1836+33del on transcript NM_019842.4 (MANE Select); bases 18 to 33 of the intron after coding-DNA position 1836, 16 bases deleted (TGGGTATCTTTTTAGC).
Molecular consequence: intron variant.
Genome position (GRCh38, 1-based): chr6:73,192,709-73,192,724, TGGGTATCTTTTTAGC deleted; deleting any 16 consecutive bases within chr6:73,192,707-73,192,724 gives the same sequence; the c. name uses the placement nearest the transcript's 3' end. VCF-style (leftmost placement, unchanged base first): chr6-73192706-CGCTGGGTATCTTTTTA-C. GRCh37 (hg19) VCF-style: chr6-73902429-CGCTGGGTATCTTTTTA-C.
Other names: c.1893+18_1893+33del (NM_001160133.2); c.1506+18_1506+33del (NM_001160134.2); c.1866+18_1866+33del (NM_001160132.2); c.1809+18_1809+33del (NM_001160130.2).
Identifiers: ClinVar variation 2834190 (VCV002834190.3), dbSNP rs2533925235, ClinGen allele CA2578668186.

ClinVar aggregate classification (germline): Uncertain significance (1 of 4 stars; one submission).

Submission:

Labcorp Genetics (formerly Invitae), Labcorp
Classification: Uncertain significance. Last evaluated: 2024-01-25. Review status: criteria provided, single submitter. Criteria: Invitae Variant Classification Sherloc (09022015). Collection method: clinical testing. Allele origin: germline.
Comment: This sequence change falls in intron 14 of the KCNQ5 gene. It does not directly change the encoded amino acid sequence of the KCNQ5 protein. This variant is not present in population databases (gnomAD no frequency). This variant has not been reported in the literature in individuals affected with KCNQ5-related conditions. Experimental studies and prediction algorithms are not available or were not evaluated, and the effect of this variant on mRNA splicing is currently unknown. In summary, the available evidence is currently insufficient to determine the role of this variant in disease. Therefore, it has been classified as a Variant of Uncertain Significance.